The following is an entry in ClinVar:

NM_003823.4(TNFRSF6B):c.193G>C (p.Asp65His)

Genes: RTEL1-TNFRSF6B (RTEL1-TNFRSF6B readthrough (NMD candidate); plus strand), TNFRSF6B (TNF receptor superfamily member 6b; plus strand). Cytogenetic location: 20q13.33.
Variant type: single nucleotide variant.
Coding change: c.193G>C on transcript NM_003823.4 (MANE Select); coding-DNA position 193, G replaced by C.
Protein change: p.Asp65His; replaces aspartic acid 65 with histidine.
Molecular consequence: missense variant. On other transcripts: non-coding transcript variant (1).
Genome position (GRCh38, 1-based): chr20:63,696,960, G>C. VCF-style: chr20-63696960-G-C. GRCh37 (hg19) VCF-style: chr20-62328313-G-C.
Other names: short protein forms D65H.
Identifiers: ClinVar variation 1478768 (VCV001478768.8), dbSNP rs940237971, ClinGen allele CA317533977.

ClinVar aggregate classification (germline): Uncertain significance (1 of 4 stars; one submission).

Allele frequency attached by ClinVar (database versions not stated): gnomAD exomes below 0.00001.

Submission:

Labcorp Genetics (formerly Invitae), Labcorp
Classification: Uncertain significance. Last evaluated: 2025-09-30. Review status: criteria provided, single submitter. Criteria: Invitae Variant Classification Sherloc (09022015). Collection method: clinical testing. Allele origin: germline.
Comment: This sequence change replaces aspartic acid, which is acidic and polar, with histidine, which is basic and polar, at codon 65 of the TNFRSF6B protein (p.Asp65His). This variant is not present in population databases (gnomAD no frequency). This variant has not been reported in the literature in individuals affected with TNFRSF6B-related conditions. ClinVar contains an entry for this variant (Variation ID: 1478768). An algorithm developed to predict the effect of missense changes on protein structure and function (PolyPhen-2) suggests that this variant is likely to be disruptive. In summary, the available evidence is currently insufficient to determine the role of this variant in disease. Therefore, it has been classified as a Variant of Uncertain Significance.